The following is an entry in ClinVar:

ClinVar aggregate classification (germline): Uncertain significance (1 of 4 stars; one submission).

Submission:

Ambry Genetics
Classification: Uncertain significance. Last evaluated: 2022-07-15. Review status: criteria provided, single submitter. Criteria: Ambry Variant Classification Scheme 2023. Collection method: clinical testing. Allele origin: germline.
Comment: The p.N1205T variant (also known as c.3614A>C), located in coding exon 31 of the PRKDC gene, results from an A to C substitution at nucleotide position 3614. The asparagine at codon 1205 is replaced by threonine, an amino acid with similar properties. This amino acid position is conserved. In addition, this alteration is predicted to be tolerated by in silico analysis. Since supporting evidence is limited at this time, the clinical significance of this alteration remains unclear.

NM_006904.7(PRKDC):c.3614A>C (p.Asn1205Thr)

Gene: PRKDC (protein kinase, DNA-activated, catalytic subunit; minus strand). Cytogenetic location: 8q11.21.
Variant type: single nucleotide variant.
Coding change: c.3614A>C on transcript NM_006904.7 (MANE Select); coding-DNA position 3614, A replaced by C.
Protein change: p.Asn1205Thr; replaces asparagine 1205 with threonine.
Molecular consequence: missense variant.
Genome position (GRCh38, 1-based): chr8:47,893,372, T>G on the plus strand (A>C on the coding strand, the complement: PRKDC is on the minus strand). VCF-style: chr8-47893372-T-G. GRCh37 (hg19) VCF-style: chr8-48805932-T-G.
Other names: c.3614A>C, p.Asn1205Thr (NM_001081640.2); short protein forms N1205T.
Identifiers: ClinVar variation 1733257 (VCV001733257.2), dbSNP rs2089506293, ClinGen allele CA371151291.